The following is an entry in ClinVar:

ClinVar aggregate classification (germline): Uncertain significance. Review status: criteria provided, multiple submitters, no conflicts (2 of 4 stars). 2 submissions from 2 submitters: Uncertain significance (2). Last evaluated 2024-05-20.

Conditions:
Leber congenital amaurosis 1 (LCA1). Also called: AMAUROSIS CONGENITA OF LEBER I; RETINAL BLINDNESS, CONGENITAL; Congenital absence of the rods and cones; Leber's congenital tapetoretinal degeneration; Leber's congenital tapetoretinal dysplasia. Identifiers: Orphanet 65, MedGen C2931258, MONDO:0008764, OMIM 204000.
Cone-rod dystrophy 6 (CORD6). Also called: RETINAL CONE DYSTROPHY 2; Cone dystrophy progressive. Identifiers: Orphanet 1872, MedGen C1866293, MONDO:0011143, OMIM 601777.
Inborn genetic diseases. Identifiers: MedGen C0950123, MeSH D030342.

Submissions (2):

Labcorp Genetics (formerly Invitae), Labcorp
Classification: Uncertain significance for Leber congenital amaurosis 1; Cone-rod dystrophy 6. Last evaluated: 2024-05-20. Review status: criteria provided, single submitter. Criteria: Invitae Variant Classification Sherloc (09022015). Collection method: clinical testing. Allele origin: germline.
Comment: This sequence change replaces arginine, which is basic and polar, with histidine, which is basic and polar, at codon 534 of the GUCY2D protein (p.Arg534His). The frequency data for this variant in the population databases is considered unreliable, as metrics indicate poor data quality at this position in the gnomAD database. This variant has not been reported in the literature in individuals affected with GUCY2D-related conditions. Advanced modeling of protein sequence and biophysical properties (such as structural, functional, and spatial information, amino acid conservation, physicochemical variation, residue mobility, and thermodynamic stability) performed at Invitae indicates that this missense variant is not expected to disrupt GUCY2D protein function with a negative predictive value of 80%. In summary, the available evidence is currently insufficient to determine the role of this variant in disease. Therefore, it has been classified as a Variant of Uncertain Significance.

Ambry Genetics
Classification: Uncertain significance for Inborn genetic diseases. Last evaluated: 2024-03-19. Review status: criteria provided, single submitter. Criteria: Ambry Variant Classification Scheme 2023. Collection method: clinical testing. Allele origin: germline.

NM_000180.4(GUCY2D):c.1601G>A (p.Arg534His)

Gene: GUCY2D (guanylate cyclase 2D, retinal; plus strand). Cytogenetic location: 17p13.1.
Variant type: single nucleotide variant.
Coding change: c.1601G>A on transcript NM_000180.4 (MANE Select); coding-DNA position 1601, G replaced by A.
Protein change: p.Arg534His; replaces arginine 534 with histidine.
Molecular consequence: missense variant.
Genome position (GRCh38, 1-based): chr17:8,007,965, G>A. VCF-style: chr17-8007965-G-A. GRCh37 (hg19) VCF-style: chr17-7911283-G-A.
Other names: short protein forms R534H.
Identifiers: ClinVar variation 3283171 (VCV003283171.3).